The following is an entry in ClinVar:

ClinVar aggregate classification (germline): Pathogenic (1 of 4 stars; one submission).

Conditions:
Hereditary breast ovarian cancer syndrome. Also called: Hereditary breast and ovarian cancer syndrome (HBOC); Hereditary breast and/or ovarian cancer syndrome; Hereditary breast and ovarian cancer; BRCA1- and BRCA2-Associated Hereditary Breast and Ovarian Cancer; Breast and ovarian cancer; Hereditary breast and ovarian cancer syndrome. Identifiers: Orphanet 145, MedGen C0677776, MeSH D061325, MONDO:0003582. Disease mechanism: loss of function.

Submission:

Labcorp Genetics (formerly Invitae), Labcorp
Classification: Pathogenic for Hereditary breast ovarian cancer syndrome. Last evaluated: 2022-08-31. Review status: criteria provided, single submitter. Criteria: Invitae Variant Classification Sherloc (09022015). Collection method: clinical testing. Allele origin: germline.
Comment: For these reasons, this variant has been classified as Pathogenic. This variant has not been reported in the literature in individuals affected with BRCA1-related conditions. This variant is not present in population databases (gnomAD no frequency). This sequence change creates a premature translational stop signal (p.Ser766Argfs*26) in the BRCA1 gene. It is expected to result in an absent or disrupted protein product. Loss-of-function variants in BRCA1 are known to be pathogenic (PMID: 20104584).

Literature cited by the submitters: PubMed 20104584.

NM_007294.4(BRCA1):c.2298del (p.Ser766fs)

Gene: BRCA1 (BRCA1 DNA repair associated; minus strand). Cytogenetic location: 17q21.31.
Variant type: Deletion.
Coding change: c.2298del on transcript NM_007294.4 (MANE Select); coding-DNA position 2298, one base deleted (T; older notation c.2298delT).
Protein change: p.Ser766fs; shifts the reading frame from serine 766.
Molecular consequence: frameshift variant. On other transcripts: intron variant (137).
Genome position (GRCh38, 1-based): chr17:43,093,233, A deleted on the plus strand (T on the coding strand, the reverse complement: BRCA1 is on the minus strand). VCF-style (leftmost placement, unchanged base first): chr17-43093232-TA-T. GRCh37 (hg19) VCF-style: chr17-41245249-TA-T.
Other names: c.2085del, p.Ser695fs (NM_001407571.1, NM_001407853.1, NM_001407894.1 and 9 more transcripts); c.2298del, p.Ser766fs (NM_001407581.1, NM_001407582.1, NM_001407583.1 and 30 more transcripts); c.2295del, p.Ser765fs (NM_001407587.1, NM_001407590.1, NM_001407591.1 and 22 more transcripts); c.2289del, p.Ser763fs (NM_001407646.1, NM_001407647.1); c.2175del, p.Ser725fs (NM_001407648.1, NM_001407664.1, NM_001407665.1 and 19 more transcripts); c.2172del, p.Ser724fs (NM_001407649.1, NM_001407670.1, NM_001407671.1 and 11 more transcripts); c.2220del, p.Ser740fs (NM_001407653.1, NM_001407654.1, NM_001407655.1 and 4 more transcripts); c.2217del, p.Ser739fs (NM_001407659.1, NM_001407660.1, NM_001407661.1 and 1 more transcripts); and 41 more; short protein forms S719fs, S766fs, S598fs, S638fs, S655fs, S696fs, S724fs, S725fs.
Identifiers: ClinVar variation 2122950 (VCV002122950.4), dbSNP rs2552190424, ClinGen allele CA2580094059.
Genomic context (GRCh38, chr17:43,093,232, plus strand): 5'-CCAGTAACGAGATACTTTCCTGAGTGCCATAATCAGTACCAGGTACCAATGAAATACTGC[TA>T]CTCTCTACAGATCTTTCAGTTTGCAAAACCCTTTCTCCACTTAACATGAGATCTTTGGGG-3'